The following is an entry in ClinVar:

ClinVar aggregate classification (germline): Uncertain significance (1 of 4 stars; one submission).

Conditions:
Ornithine carbamoyltransferase deficiency (OTCD). Also called: Ornithine Carbamoyltransferase Deficiency Disease; ORNITHINE TRANSCARBAMYLASE DEFICIENCY; ORNITHINE TRANSCARBAMYLASE DEFICIENCY, HYPERAMMONEMIA DUE TO; OTC DEFICIENCY. Identifiers: Orphanet 664, MedGen C0268542, MONDO:0010703, OMIM 311250.

Submission:

All of Us Research Program, National Institutes of Health
Classification: Uncertain significance for Ornithine carbamoyltransferase deficiency. Last evaluated: 2024-03-14. Review status: criteria provided, single submitter. Criteria: ACMG Guidelines, 2015. Collection method: clinical testing. Allele origin: germline. Inheritance: X-linked inheritance. Observed: 1 variant allele, 1 heterozygote.
Comment: This missense variant replaces lysine with glutamic acid at codon 54 of the OTC protein. Computational prediction suggests that this variant may not impact protein structure and function (internally defined REVEL score threshold <= 0.5, PMID: 27666373). To our knowledge, functional studies have not been reported for this variant. This variant has not been reported in individuals affected with OTC-related disorders in the literature. This variant has not been identified in the general population by the Genome Aggregation Database (gnomAD). The available evidence is insufficient to determine the role of this variant in disease conclusively. Therefore, this variant is classified as a Variant of Uncertain Significance.

This study involves interpretation of variants in research participants for the purpose of population health screening. Participant phenotype was not available at the time of variant classification. Additional details can be found in publication PMID: 35346344, PMCID: PMC8962531

NM_000531.6(OTC):c.160A>G (p.Lys54Glu)

Gene: OTC (ornithine transcarbamylase; plus strand). Cytogenetic location: Xp11.4.
Variant type: single nucleotide variant.
Coding change: c.160A>G on transcript NM_000531.6 (MANE Select); coding-DNA position 160, A replaced by G.
Protein change: p.Lys54Glu; replaces lysine 54 with glutamic acid.
Molecular consequence: missense variant.
Genome position (GRCh38, 1-based): chrX:38,367,373, A>G. VCF-style: chrX-38367373-A-G. GRCh37 (hg19) VCF-style: chrX-38226626-A-G.
Other names: c.160A>G, p.Lys54Glu (NM_001407092.1); short protein forms K54E.
Identifiers: ClinVar variation 3387408 (VCV003387408.1).